The following is an entry in ClinVar:

NM_024577.4(SH3TC2):c.335C>T (p.Thr112Ile)

Gene: SH3TC2 (SH3 domain and tetratricopeptide repeats 2; minus strand). Cytogenetic location: 5q32.
Variant type: single nucleotide variant.
Coding change: c.335C>T on transcript NM_024577.4 (MANE Select); coding-DNA position 335, C replaced by T.
Protein change: p.Thr112Ile; replaces threonine 112 with isoleucine.
Molecular consequence: missense variant.
Genome position (GRCh38, 1-based): chr5:149,044,583, G>A on the plus strand (C>T on the coding strand, the complement: SH3TC2 is on the minus strand). VCF-style: chr5-149044583-G-A. GRCh37 (hg19) VCF-style: chr5-148424146-G-A.
Other names: short protein forms T112I.
Identifiers: ClinVar variation 3377476 (VCV003377476.3).

ClinVar aggregate classification (germline): Uncertain significance. Review status: criteria provided, multiple submitters, no conflicts (2 of 4 stars). 2 submissions from 2 submitters: Uncertain significance (2). Last evaluated 2024-12-05.

Conditions:
Charcot-Marie-Tooth disease type 4. Also called: Charcot-Marie-Tooth disease, type IV; Charcot-Marie-Tooth, Type 4. Identifiers: Orphanet 64749, MedGen C4082197, MONDO:0018995.
Charcot-Marie-Tooth disease type 4C (CMT4C). Also called: Charcot-Marie-Tooth Neuropathy Type 4C (CMT4C); SH3TC2-Related Hereditary Motor and Sensory Neuropathy; CMT 4C; CHARCOT-MARIE-TOOTH DISEASE, DEMYELINATING, AUTOSOMAL RECESSIVE, TYPE 4C; CHARCOT-MARIE-TOOTH DISEASE, DEMYELINATING, TYPE 4C. Identifiers: Orphanet 99949, MedGen C1866636, MONDO:0011113, OMIM 601596.

gnomAD v4.1: 2 of 1,613,962 alleles (0.00012%); highest among the groups gnomAD compares: Non-Finnish European, 0.00017%; no homozygotes.

Submissions (2):

Labcorp Genetics (formerly Invitae), Labcorp
Classification: Uncertain significance for Charcot-Marie-Tooth disease type 4. Last evaluated: 2024-12-05. Review status: criteria provided, single submitter. Criteria: Invitae Variant Classification Sherloc (09022015). Collection method: clinical testing. Allele origin: germline.
Comment: This sequence change replaces threonine, which is neutral and polar, with isoleucine, which is neutral and non-polar, at codon 112 of the SH3TC2 protein (p.Thr112Ile). This variant is present in population databases (rs764074462, gnomAD 0.0009%). This variant has not been reported in the literature in individuals affected with SH3TC2-related conditions. Invitae Evidence Modeling of protein sequence and biophysical properties (such as structural, functional, and spatial information, amino acid conservation, physicochemical variation, residue mobility, and thermodynamic stability) indicates that this missense variant is not expected to disrupt SH3TC2 protein function with a negative predictive value of 95%. In summary, the available evidence is currently insufficient to determine the role of this variant in disease. Therefore, it has been classified as a Variant of Uncertain Significance.

Victorian Clinical Genetics Services, Murdoch Childrens Research Institute
Classification: Uncertain significance for Charcot-Marie-Tooth disease type 4C. Last evaluated: 2020-10-19. Review status: criteria provided, single submitter. Criteria: ACMG Guidelines, 2015. Collection method: clinical testing. Allele origin: germline.
Comment: Based on the classification scheme VCGS_Germline_v1.3.3, this variant is classified as 3A-VUS. Following criteria are met: 0102 - Loss of function is a known mechanism of disease in this gene and is associated with Charcot-Marie-Tooth disease, type 4C (MIM #601596). (I) 0108 - This gene is associated with both recessive and dominant disease. This gene is associated with autosomal recessive Charcot-Marie-Tooth disease, type 4C (MIM #601596) and autosomal dominant mononeuropathy of the median nerve, mild (MIM #613353) (OMIM). (I) 0200 - Variant is predicted to result in a missense amino acid change from threonine to isoleucine. (I) 0252 - This variant is homozygous. (I) 0302 - Variant is present in gnomAD (v3) <0.001 for a dominant condition (1 heterozygote, 0 homozygotes). (SP) 0309 - An alternative amino acid change has been observed in gnomAD v2 (1 heterozygote, 0 homozygotes). (I) 0501 - Missense variant consistently predicted to be damaging by multiple in silico tools or highly conserved with a major amino acid change. (SP) 0604 - Variant is not located in an established domain, motif, hotspot or informative constraint region. (I) 0705 - No comparable missense variants have previous evidence for pathogenicity. (I) 0807 - This variant has no previous evidence of pathogenicity. (I) 0905 - No published segregation evidence has been identified for this variant. (I) 1007 - No published functional evidence has been identified for this variant. (I) 1102 - Strong phenotype match for this individual. (SP) 1208 - Inheritance information for this variant is not currently available in this individual. (I) Legend: (SP) - Supporting pathogenic, (I) - Information, (SB) - Supporting benign